The following is an entry in ClinVar:

ClinVar aggregate classification (germline): Likely benign. Review status: criteria provided, single submitter (1 of 4 stars). 2 submissions from 2 submitters: Likely benign (1). 1 of the submissions does not count toward it. Last evaluated 2024-06-24.

Conditions:
MYRF-related disorder. Also called: MYRF-related disorders; MYRF-related condition.

Allele frequency attached by ClinVar (database versions not stated): gnomAD exomes 0.00003; ExAC 0.00009; ESP Exome Variant Server 0.00022; gnomAD 0.00027; TOPMed 0.00031; 1000 Genomes Project 0.00040; 1000 Genomes Project 30x 0.00062.
gnomAD v4.1: 79 of 1,550,042 alleles (0.0051%); highest among the groups gnomAD compares: African/African-American, 0.1%; no homozygotes.

Submissions (2):

Blueprint Genetics
Classification: Likely benign. Last evaluated: 2024-06-24. Review status: criteria provided, single submitter. Criteria: ACMG Guidelines, 2015. Collection method: clinical testing. Allele origin: germline.

PreventionGenetics, part of Exact Sciences
Classification: Likely benign for MYRF-related condition. Last evaluated: 2023-02-26. Review status: no assertion criteria provided. Collection method: clinical testing. Allele origin: germline. Not counted in ClinVar's aggregate classification.
Comment: This variant is classified as likely benign based on ACMG/AMP sequence variant interpretation guidelines (Richards et al. 2015 PMID: 25741868, with internal and published modifications).

NM_001127392.3(MYRF):c.2408C>T (p.Ser803Phe)

Gene: MYRF (myelin regulatory factor; plus strand). Cytogenetic location: 11q12.2.
Variant type: single nucleotide variant.
Coding change: c.2408C>T on transcript NM_001127392.3 (MANE Select); coding-DNA position 2408, C replaced by T.
Protein change: p.Ser803Phe; replaces serine 803 with phenylalanine.
Molecular consequence: missense variant. On other transcripts: intron variant (1).
Genome position (GRCh38, 1-based): chr11:61,780,714, C>T. VCF-style: chr11-61780714-C-T. GRCh37 (hg19) VCF-style: chr11-61548186-C-T.
Other names: c.2379-243C>T (NM_013279.4); short protein forms S803F.
Identifiers: ClinVar variation 3031629 (VCV003031629.3), dbSNP rs193033927, ClinGen allele CA6038159.
Genomic context (GRCh38, chr11:61,780,714, plus strand): 5'-GTCTTCTCTTCTCTTCCCCTTTGCCTGTCTCACCCTTTGCCTTTTTGCTGCCCCTTAGCT[C>T]TTTTGCCGTGTCCACTTCCTGTCTCCTGGCCCTGCTCCGGCCCCAGCCCCCTGGGGGGAG-3'
Protein context (NP_001120864.1, residues 793-813): TEEDLVDTDG[Ser803Phe]FAVSTSCLLA